The following is an entry in ClinVar:

NM_000539.3(RHO):c.*205C>T

Gene: RHO (rhodopsin; plus strand). Cytogenetic location: 3q22.1.
Variant type: single nucleotide variant.
Coding change: c.*205C>T on transcript NM_000539.3 (MANE Select); 205 bases downstream of the stop codon, C replaced by T.
Molecular consequence: 3 prime UTR variant.
Genome position (GRCh38, 1-based): chr3:129,533,923, C>T. VCF-style: chr3-129533923-C-T. GRCh37 (hg19) VCF-style: chr3-129252766-C-T.
Identifiers: ClinVar variation 343288 (VCV000343288.5), dbSNP rs202215179, ClinGen allele CA10617240.
Genomic context (GRCh38, chr3:129,533,923, plus strand): 5'-AATAATTAATGAGGCTCCTCACTCACCTGGGACAGCCTGAGAAGGGACATCCACCAAGAC[C>T]TACTGATCTGGAGTCCCACGTTCCCCAAGGCCAGCGGGATGTGTGCCCCTCCTCCTCCCA-3'

ClinVar aggregate classification (germline): Benign/Likely benign. Review status: criteria provided, single submitter (1 of 4 stars). 2 submissions from 1 submitter: Benign (1); Likely benign (1). Last evaluated 2018-01-13.

Conditions:
Congenital stationary night blindness autosomal dominant 1. Also called: NIGHT BLINDNESS, CONGENITAL STATIONARY, RHODOPSIN-RELATED. Identifiers: Orphanet 215, MedGen C1864869, MONDO:0012498, OMIM 610445.
Retinitis pigmentosa (RP). Identifiers: Orphanet 791, MedGen C0035334, MeSH D012174, MONDO:0019200, OMIM 268000. Inheritance: Autosomal dominant, autosomal recessive and X linked inheritance.

Allele frequency attached by ClinVar (database versions not stated): 1000 Genomes Project 0.00080; 1000 Genomes Project 30x 0.00094; gnomAD 0.00161 and 0.00170; TOPMed 0.00166; gnomAD exomes 0.00193.

Submissions (2):

Illumina Laboratory Services, Illumina
Classification: Benign for Congenital stationary night blindness autosomal dominant 1. Last evaluated: 2018-01-13. Review status: criteria provided, single submitter. Criteria: ICSL Variant Classification Criteria 13 December 2019. Collection method: clinical testing. Allele origin: germline.
Comment: This variant was observed in the ICSL laboratory as part of a predisposition screen in an ostensibly healthy population. It had not been previously curated by ICSL or reported in the Human Gene Mutation Database (HGMD: prior to June 1st, 2018), and was therefore a candidate for classification through an automated scoring system. Utilizing variant allele frequency, disease prevalence and penetrance estimates, and inheritance mode, an automated score was calculated to assess if this variant is too frequent to cause the disease. Based on the score and internal cut-off values, a variant classified as benign is not then subjected to further curation. The score for this variant resulted in a classification of benign for this disease.

Illumina Laboratory Services, Illumina
Classification: Likely benign for Retinitis pigmentosa. Last evaluated: 2018-01-13. Review status: criteria provided, single submitter. Criteria: ICSL Variant Classification Criteria 13 December 2019. Collection method: clinical testing. Allele origin: germline.
Comment: This variant was observed in the ICSL laboratory as part of a predisposition screen in an ostensibly healthy population. It had not been previously curated by ICSL or reported in the Human Gene Mutation Database (HGMD: prior to June 1st, 2018), and was therefore a candidate for classification through an automated scoring system. Utilizing variant allele frequency, disease prevalence and penetrance estimates, and inheritance mode, an automated score was calculated to assess if this variant is too frequent to cause the disease. Based on the score and internal cut-off values, a variant classified as likely benign is not then subjected to further curation. The score for this variant resulted in a classification of likely benign for this disease.